The following is an entry in ClinVar:

ClinVar aggregate classification (germline): Uncertain significance (1 of 4 stars; one submission).

Allele frequency attached by ClinVar (database versions not stated): gnomAD exomes 0.00001.

Submission:

Labcorp Genetics (formerly Invitae), Labcorp
Classification: Uncertain significance. Last evaluated: 2024-10-23. Review status: criteria provided, single submitter. Criteria: Invitae Variant Classification Sherloc (09022015). Collection method: clinical testing. Allele origin: germline.
Comment: This sequence change replaces glycine, which is neutral and non-polar, with alanine, which is neutral and non-polar, at codon 209 of the COL18A1 protein (p.Gly209Ala). This variant is not present in population databases (gnomAD no frequency). This variant has not been reported in the literature in individuals affected with COL18A1-related conditions. ClinVar contains an entry for this variant (Variation ID: 1487348). Experimental studies and prediction algorithms are not available or were not evaluated, and the functional significance of this variant is currently unknown. In summary, the available evidence is currently insufficient to determine the role of this variant in disease. Therefore, it has been classified as a Variant of Uncertain Significance.

NM_001379500.1(COL18A1):c.626G>C (p.Gly209Ala)

Gene: COL18A1 (collagen type XVIII alpha 1 chain; plus strand). Cytogenetic location: 21q22.3.
Variant type: single nucleotide variant.
Coding change: c.626G>C on transcript NM_001379500.1 (MANE Select); coding-DNA position 626, G replaced by C.
Protein change: p.Gly209Ala; replaces glycine 209 with alanine.
Molecular consequence: missense variant.
Genome position (GRCh38, 1-based): chr21:45,468,761, G>C. VCF-style: chr21-45468761-G-C. GRCh37 (hg19) VCF-style: chr21-46888675-G-C.
Other names: c.1166G>C, p.Gly389Ala (NM_030582.4); c.1871G>C, p.Gly624Ala (NM_130444.3); short protein forms G209A, G389A, G624A.
Identifiers: ClinVar variation 1487348 (VCV001487348.5), dbSNP rs376944366, ClinGen allele CA321906535.